The following is an entry in ClinVar:

NM_000742.4(CHRNA2):c.752T>C (p.Ile251Thr)

Gene: CHRNA2 (cholinergic receptor nicotinic alpha 2 subunit; minus strand). Cytogenetic location: 8p21.2.
Variant type: single nucleotide variant.
Coding change: c.752T>C on transcript NM_000742.4 (MANE Select); coding-DNA position 752, T replaced by C.
Protein change: p.Ile251Thr; replaces isoleucine 251 with threonine.
Molecular consequence: missense variant.
Genome position (GRCh38, 1-based): chr8:27,463,691, A>G on the plus strand (T>C on the coding strand, the complement: CHRNA2 is on the minus strand). VCF-style: chr8-27463691-A-G. GRCh37 (hg19) VCF-style: chr8-27321208-A-G.
Other names: c.752T>C (NM_000742.3); c.707T>C, p.Ile236Thr (NM_001282455.2); c.275T>C, p.Ile92Thr (NM_001347705.2, NM_001347706.2); c.158T>C, p.Ile53Thr (NM_001347707.2, NM_001347708.2); short protein forms I236T, I53T, I251T, I92T.
Identifiers: ClinVar variation 1431574 (VCV001431574.9), dbSNP rs1255648133, ClinGen allele CA370810831.

ClinVar aggregate classification (germline): Uncertain significance. Review status: criteria provided, multiple submitters, no conflicts (2 of 4 stars). 2 submissions from 2 submitters: Uncertain significance (2). Last evaluated 2025-12-21.

Conditions:
Familial sleep-related hypermotor epilepsy. Also called: Autosomal Dominant Sleep-Related Hypermotor (Hyperkinetic) Epilepsy. Identifiers: Orphanet 98784, MedGen C3696898, MONDO:0000030.
Inborn genetic diseases. Identifiers: MedGen C0950123, MeSH D030342.

Allele frequency attached by ClinVar (database versions not stated): gnomAD exomes 0.00002; gnomAD 0.00001.
gnomAD v4.1: 17 of 1,613,882 alleles (0.0011%); highest among the groups gnomAD compares: Non-Finnish European, 0.0014%; no homozygotes.

Submissions (2):

Labcorp Genetics (formerly Invitae), Labcorp
Classification: Uncertain significance. Last evaluated: 2025-12-21. Review status: criteria provided, single submitter. Criteria: Invitae Variant Classification Sherloc (09022015). Collection method: clinical testing. Allele origin: germline.
Comment: This sequence change replaces isoleucine, which is neutral and non-polar, with threonine, which is neutral and polar, at codon 251 of the CHRNA2 protein (p.Ile251Thr). This variant is present in population databases (no rsID available, gnomAD 0.01%). This variant has not been reported in the literature in individuals affected with CHRNA2-related conditions. ClinVar contains an entry for this variant (Variation ID: 1431574). Invitae Evidence Modeling of protein sequence and biophysical properties (such as structural, functional, and spatial information, amino acid conservation, physicochemical variation, residue mobility, and thermodynamic stability) indicates that this missense variant is not expected to disrupt CHRNA2 protein function with a negative predictive value of 80%. In summary, the available evidence is currently insufficient to determine the role of this variant in disease. Therefore, it has been classified as a Variant of Uncertain Significance.

Ambry Genetics
Classification: Uncertain significance for Inborn genetic diseases. Last evaluated: 2023-06-12. Review status: criteria provided, single submitter. Criteria: Ambry Variant Classification Scheme 2023. Collection method: clinical testing. Allele origin: germline.